The following is an entry in ClinVar:

NM_001012759.3(CTU2):c.242G>C (p.Gly81Ala)

Gene: CTU2 (cytosolic thiouridylase subunit 2; plus strand). Cytogenetic location: 16q24.3.
Variant type: single nucleotide variant.
Coding change: c.242G>C on transcript NM_001012759.3 (MANE Select); coding-DNA position 242, G replaced by C.
Protein change: p.Gly81Ala; replaces glycine 81 with alanine.
Molecular consequence: missense variant. On other transcripts: 5 prime UTR variant (1).
Genome position (GRCh38, 1-based): chr16:88,710,242, G>C. VCF-style: chr16-88710242-G-C. GRCh37 (hg19) VCF-style: chr16-88776650-G-C.
Other names: c.242G>C, p.Gly81Ala (NM_001012762.3, NM_001318507.2); c.-20G>C (NM_001318513.2); short protein forms G81A.
Identifiers: ClinVar variation 1206603 (VCV001206603.3), dbSNP rs2142713603, ClinGen allele CA397057077.
Genomic context (GRCh38, chr16:88,710,242, plus strand): 5'-TTGGAGGTGCGGTGCCCTGAGTGATGTTTTTTCTCCCCCAGGTGCTCTTGGCGTGGTCTG[G>C]GGGGCCTTCGTCCAGCTCCATGGTCTGGCAGGTTCTTGAGGTGCGTGTTCACCACCCCGT-3'
Protein context (NP_001012777.1, residues 71-91): PGEKVLLAWS[Gly81Ala]GPSSSSMVWQ

ClinVar aggregate classification (germline): Uncertain significance (1 of 4 stars; one submission).

Allele frequency attached by ClinVar (database versions not stated): gnomAD exomes 0.00001.
gnomAD v4.1: 3 of 1,614,084 alleles (0.00019%); highest among the groups gnomAD compares: Middle Eastern, 0.049%; no homozygotes.

Submission:

GeneDx
Classification: Uncertain significance. Last evaluated: 2020-08-17. Review status: criteria provided, single submitter. Criteria: GeneDx Variant Classification Process June 2021. Collection method: clinical testing. Allele origin: germline. Affected: yes.
Comment: Not observed in large population cohorts (Lek et al., 2016); In silico analysis, which includes protein predictors and evolutionary conservation, supports a deleterious effect; Has not been previously published as pathogenic or benign to our knowledge